The following is an entry in ClinVar:

NM_001854.4(COL11A1):c.2202T>A (p.His734Gln)

Gene: COL11A1 (collagen type XI alpha 1 chain; minus strand). Cytogenetic location: 1p21.1.
Variant type: single nucleotide variant.
Coding change: c.2202T>A on transcript NM_001854.4 (MANE Select); coding-DNA position 2202, T replaced by A.
Protein change: p.His734Gln; replaces histidine 734 with glutamine.
Molecular consequence: missense variant. On other transcripts: non-coding transcript variant (1).
Genome position (GRCh38, 1-based): chr1:102,997,119, A>T on the plus strand (T>A on the coding strand, the complement: COL11A1 is on the minus strand). VCF-style: chr1-102997119-A-T. GRCh37 (hg19) VCF-style: chr1-103462675-A-T.
Other names: c.1854T>A, p.His618Gln (NM_001168249.1, NM_080630.4); c.2085T>A, p.His695Gln (NM_001190709.2); c.2238T>A, p.His746Gln (NM_080629.3); short protein forms H618Q, H695Q, H734Q, H746Q.
Identifiers: ClinVar variation 2784878 (VCV002784878.4), dbSNP rs2525301633, ClinGen allele CA341169522.
Genomic context (GRCh38, chr1:102,997,119, plus strand): 5'-AATGGATACTTTGGAACCTACCAGAGCCCCCTTTTCTCCAGACTGGCCTTCTTTCCCAGG[A>T]TGACCCTATATTTAGCAAAAACATACACTGATAAGATGTAATATAAACATAGTTGATAAT-3'
Protein context (NP_001845.3, residues 724-744): GLPGADGPPG[His734Gln]PGKEGQSGEK

ClinVar aggregate classification (germline): Uncertain significance. Review status: criteria provided, multiple submitters, no conflicts (2 of 4 stars). 2 submissions from 2 submitters: Uncertain significance (2). Last evaluated 2023-11-13.

Submissions (2):

Labcorp Genetics (formerly Invitae), Labcorp
Classification: Uncertain significance. Last evaluated: 2023-11-13. Review status: criteria provided, single submitter. Criteria: Invitae Variant Classification Sherloc (09022015). Collection method: clinical testing. Allele origin: germline.
Comment: This sequence change replaces histidine, which is basic and polar, with glutamine, which is neutral and polar, at codon 734 of the COL11A1 protein (p.His734Gln). This variant is not present in population databases (gnomAD no frequency). This variant has not been reported in the literature in individuals affected with COL11A1-related conditions. Advanced modeling of protein sequence and biophysical properties (such as structural, functional, and spatial information, amino acid conservation, physicochemical variation, residue mobility, and thermodynamic stability) has been performed at Invitae for this missense variant, however the output from this modeling did not meet the statistical confidence thresholds required to predict the impact of this variant on COL11A1 protein function. In summary, the available evidence is currently insufficient to determine the role of this variant in disease. Therefore, it has been classified as a Variant of Uncertain Significance.

Blueprint Genetics
Classification: Uncertain significance. Last evaluated: 2021-09-29. Review status: criteria provided, single submitter. Criteria: ACMG Guidelines, 2015. Collection method: clinical testing. Allele origin: germline.